The following is an entry in ClinVar:

ClinVar aggregate classification (germline): Uncertain significance (1 of 4 stars; one submission).

Conditions:
Chédiak-Higashi syndrome (CHS). Also called: Chediak-Higashi Syndrome. Identifiers: Orphanet 167, MedGen C0007965, MONDO:0008963, OMIM 214500.

Allele frequency attached by ClinVar (database versions not stated): gnomAD exomes below 0.00001; TOPMed below 0.00001.
gnomAD v4.1: 7 of 1,613,952 alleles (0.00043%); highest among the groups gnomAD compares: Non-Finnish European, 0.00051%; no homozygotes.

Submission:

Labcorp Genetics (formerly Invitae), Labcorp
Classification: Uncertain significance for Chédiak-Higashi syndrome. Last evaluated: 2022-04-04. Review status: criteria provided, single submitter. Criteria: Invitae Variant Classification Sherloc (09022015). Collection method: clinical testing. Allele origin: germline.
Comment: This sequence change replaces glutamic acid, which is acidic and polar, with lysine, which is basic and polar, at codon 3392 of the LYST protein (p.Glu3392Lys). This variant is present in population databases (no rsID available, gnomAD 0.0009%). This variant has not been reported in the literature in individuals affected with LYST-related conditions. ClinVar contains an entry for this variant (Variation ID: 525160). Algorithms developed to predict the effect of missense changes on protein structure and function are either unavailable or do not agree on the potential impact of this missense change (SIFT: "Tolerated"; PolyPhen-2: "Probably Damaging"; Align-GVGD: "Class C0"). In summary, the available evidence is currently insufficient to determine the role of this variant in disease. Therefore, it has been classified as a Variant of Uncertain Significance.

NM_000081.4(LYST):c.10174G>A (p.Glu3392Lys)

Gene: LYST (lysosomal trafficking regulator; minus strand). Cytogenetic location: 1q42.3.
Variant type: single nucleotide variant.
Coding change: c.10174G>A on transcript NM_000081.4 (MANE Select); coding-DNA position 10174, G replaced by A.
Protein change: p.Glu3392Lys; replaces glutamic acid 3392 with lysine.
Molecular consequence: missense variant.
Genome position (GRCh38, 1-based): chr1:235,702,947, C>T on the plus strand (G>A on the coding strand, the complement: LYST is on the minus strand). VCF-style: chr1-235702947-C-T. GRCh37 (hg19) VCF-style: chr1-235866247-C-T.
Other names: c.10174G>A, p.Glu3392Lys (NM_001301365.1); short protein forms E3392K.
Identifiers: ClinVar variation 525160 (VCV000525160.3), dbSNP rs1353418743, ClinGen allele CA344932405.